The following is an entry in ClinVar:

NM_005876.5(SPEG):c.4759G>A (p.Gly1587Arg)

Gene: SPEG (striated muscle enriched protein kinase; plus strand). Cytogenetic location: 2q35.
Variant type: single nucleotide variant.
Coding change: c.4759G>A on transcript NM_005876.5 (MANE Select); coding-DNA position 4759, G replaced by A.
Protein change: p.Gly1587Arg; replaces glycine 1587 with arginine.
Molecular consequence: missense variant.
Genome position (GRCh38, 1-based): chr2:219,477,718, G>A. VCF-style: chr2-219477718-G-A. GRCh37 (hg19) VCF-style: chr2-220342440-G-A.
Other names: short protein forms G1587R.
Identifiers: ClinVar variation 1028952 (VCV001028952.12), dbSNP rs200114716, ClinGen allele CA2126620.

ClinVar aggregate classification (germline): Uncertain significance. Review status: criteria provided, multiple submitters, no conflicts (2 of 4 stars). 7 submissions from 7 submitters: Uncertain significance (7). Last evaluated 2025-06-06.

Conditions:
Myopathy, centronuclear, 5 (CNM5). Identifiers: Orphanet 169186, MedGen C4014814, MONDO:0014418, OMIM 615959.
Inborn genetic diseases. Identifiers: MedGen C0950123, MeSH D030342.

Allele frequency attached by ClinVar (database versions not stated): ExAC 0.00010; gnomAD 0.00013; gnomAD exomes 0.00014; ESP Exome Variant Server 0.00016; TOPMed 0.00016.
gnomAD v4.1: 613 of 1,604,070 alleles (0.038%); highest among the groups gnomAD compares: Non-Finnish European, 0.048%; no homozygotes.

Submissions (7):

Ambry Genetics
Classification: Uncertain significance for Inborn genetic diseases. Last evaluated: 2025-06-06. Review status: criteria provided, single submitter. Criteria: Ambry Variant Classification Scheme 2023. Collection method: clinical testing. Allele origin: germline.

Blueprint Genetics
Classification: Uncertain significance. Last evaluated: 2024-09-10. Review status: criteria provided, single submitter. Criteria: ACMG Guidelines, 2015. Collection method: clinical testing. Allele origin: germline.

Labcorp Genetics (formerly Invitae), Labcorp
Classification: Uncertain significance. Last evaluated: 2022-10-17. Review status: criteria provided, single submitter. Criteria: Invitae Variant Classification Sherloc (09022015). Collection method: clinical testing. Allele origin: germline.
Comment: This sequence change replaces glycine, which is neutral and non-polar, with arginine, which is basic and polar, at codon 1587 of the SPEG protein (p.Gly1587Arg). This variant is present in population databases (rs200114716, gnomAD 0.02%). This variant has not been reported in the literature in individuals affected with SPEG-related conditions. ClinVar contains an entry for this variant (Variation ID: 1028952). Algorithms developed to predict the effect of missense changes on protein structure and function output the following: SIFT: "Tolerated"; PolyPhen-2: "Benign"; Align-GVGD: "Class C0". The arginine amino acid residue is found in multiple mammalian species, which suggests that this missense change does not adversely affect protein function. In summary, the available evidence is currently insufficient to determine the role of this variant in disease. Therefore, it has been classified as a Variant of Uncertain Significance.

GeneDx
Classification: Uncertain significance. Last evaluated: 2022-09-01. Review status: criteria provided, single submitter. Criteria: GeneDx Variant Classification Process June 2021. Collection method: clinical testing. Allele origin: germline. Affected: yes.
Comment: In silico analysis supports that this missense variant does not alter protein structure/function; Has not been previously published as pathogenic or benign to our knowledge

Revvity Omics, Revvity
Classification: Uncertain significance for Myopathy, centronuclear, 5. Last evaluated: 2022-01-27. Review status: criteria provided, single submitter. Criteria: ACMG Guidelines, 2015. Collection method: clinical testing. Allele origin: germline.

Victorian Clinical Genetics Services, Murdoch Childrens Research Institute
Classification: Uncertain significance for Myopathy, centronuclear, 5. Last evaluated: 2020-05-21. Review status: criteria provided, single submitter. Criteria: ACMG Guidelines, 2015. Collection method: clinical testing. Allele origin: germline. Inheritance: Autosomal recessive inheritance. Affected: yes.
Comment: A heterozygous missense variant was identified, NM_005876.4(SPEG):c.4759G>A in exon 21 of 41 of the SPEG gene (NB: this variant is non-coding in an alternative transcript). This substitution is predicted to create a major amino acid change from a glycine to an arginine at position 1587 of the protein; NP_005867.3(SPEG):p.(Gly1587Arg). The glycine at this position has very low conservation (100 vertebrates, UCSC), and is is not situated in a known functional domain. In silico software predicts this variant to be tolerated (Polyphen, SIFT, CADD, Mutation Taster). The variant is present in the gnomAD database at a global population frequency of 0.01% (36 heterozygotes, 0 homozygotes) with a European sub-population frequency of 0.025%. This variant has been previously reported unclassified in the SPEG Cardiomyopathy Database. Based on information available at the time of curation, this variant has been classified as a VUS with LOW CLINICAL RELEVANCE.

Baylor Genetics
Classification: Uncertain significance for Myopathy, centronuclear, 5. Last evaluated: 2019-03-07. Review status: criteria provided, single submitter. Criteria: ACMG Guidelines, 2015. Collection method: clinical testing. Allele origin: paternal. Affected: yes.
Comment: This variant was determined to be of uncertain significance according to ACMG Guidelines, 2015 [PMID:25741868].